The following is an entry in ClinVar:

ClinVar aggregate classification (germline): Uncertain significance. Review status: criteria provided, multiple submitters, no conflicts (2 of 4 stars). 2 submissions from 2 submitters: Uncertain significance (2). Last evaluated 2025-07-22.

Conditions:
Hereditary cancer-predisposing syndrome. Also called: Tumor predisposition; Hereditary neoplastic syndrome; Neoplastic Syndromes, Hereditary; Hereditary Cancer Syndrome. Identifiers: Orphanet 140162, MedGen C0027672, MeSH D009386, MONDO:0015356.
Bloom syndrome (BLM). Also called: Bloom-Torre-Machacek syndrome. Identifiers: Orphanet 125, MedGen C0005859, MONDO:0008876, OMIM 210900.

Allele frequency attached by ClinVar (database versions not stated): gnomAD exomes below 0.00001 and 0.00001.
gnomAD v4.1: 1 of 1,613,850 alleles (0.000062%); highest among the groups gnomAD compares: Non-Finnish European, 0.000085%; no homozygotes.

Submissions (2):

Ambry Genetics
Classification: Uncertain significance for Hereditary cancer-predisposing syndrome. Last evaluated: 2025-07-22. Review status: criteria provided, single submitter. Criteria: Ambry Variant Classification Scheme 2023. Collection method: clinical testing. Allele origin: germline.
Comment: The p.T652R variant (also known as c.1955C>G), located in coding exon 7 of the BLM gene, results from a C to G substitution at nucleotide position 1955. The threonine at codon 652 is replaced by arginine, an amino acid with similar properties. This amino acid position is conserved. In addition, the in silico prediction for this alteration is inconclusive. Based on the available evidence, the clinical significance of this variant remains unclear.

Labcorp Genetics (formerly Invitae), Labcorp
Classification: Uncertain significance for Bloom syndrome. Last evaluated: 2022-10-27. Review status: criteria provided, single submitter. Criteria: Invitae Variant Classification Sherloc (09022015). Collection method: clinical testing. Allele origin: germline.
Comment: This sequence change replaces threonine, which is neutral and polar, with arginine, which is basic and polar, at codon 652 of the BLM protein (p.Thr652Arg). This variant is present in population databases (no rsID available, gnomAD 0.002%). This variant has not been reported in the literature in individuals affected with BLM-related conditions. ClinVar contains an entry for this variant (Variation ID: 1427949). Advanced modeling of protein sequence and biophysical properties (such as structural, functional, and spatial information, amino acid conservation, physicochemical variation, residue mobility, and thermodynamic stability) performed at Invitae indicates that this missense variant is not expected to disrupt BLM protein function. In summary, the available evidence is currently insufficient to determine the role of this variant in disease. Therefore, it has been classified as a Variant of Uncertain Significance.

NM_000057.4(BLM):c.1955C>G (p.Thr652Arg)

Gene: BLM (BLM RecQ like helicase; plus strand). Cytogenetic location: 15q26.1.
Variant type: single nucleotide variant.
Coding change: c.1955C>G on transcript NM_000057.4 (MANE Select); coding-DNA position 1955, C replaced by G.
Protein change: p.Thr652Arg; replaces threonine 652 with arginine.
Molecular consequence: missense variant.
Genome position (GRCh38, 1-based): chr15:90,763,038, C>G. VCF-style: chr15-90763038-C-G. GRCh37 (hg19) VCF-style: chr15-91306268-C-G.
Other names: c.1955C>G, p.Thr652Arg (NM_001287246.2, NM_001287247.2); c.830C>G, p.Thr277Arg (NM_001287248.2); c.1955C>G (NM_000057.2); short protein forms T277R, T652R.
Identifiers: ClinVar variation 1427949 (VCV001427949.6), dbSNP rs1475280501, ClinGen allele CA393844220.